The following is an entry in ClinVar:

ClinVar aggregate classification (germline): Uncertain significance. Review status: criteria provided, multiple submitters, no conflicts (2 of 4 stars). 3 submissions from 3 submitters: Uncertain significance (2). 1 of the submissions does not count toward it. Last evaluated 2025-12-09.

Conditions:
Inborn genetic diseases. Identifiers: MedGen C0950123, MeSH D030342.
COL4A1-related disorder. Also called: COL4A1-related disorders; COL4A1-related condition. Identifiers: MedGen CN376119, MONDO:0800461.

Allele frequency attached by ClinVar (database versions not stated): TOPMed below 0.00001; gnomAD exomes 0.00001.
gnomAD v4.1: 3 of 1,614,244 alleles (0.00019%); highest among the groups gnomAD compares: Admixed American, 0.005%; no homozygotes.

Submissions (3):

Ambry Genetics
Classification: Uncertain significance for Inborn genetic diseases. Last evaluated: 2025-12-09. Review status: criteria provided, single submitter. Criteria: Ambry Variant Classification Scheme 2023. Collection method: clinical testing. Allele origin: germline.

Labcorp Genetics (formerly Invitae), Labcorp
Classification: Uncertain significance. Last evaluated: 2025-06-12. Review status: criteria provided, single submitter. Criteria: Invitae Variant Classification Sherloc (09022015). Collection method: clinical testing. Allele origin: germline.
Comment: This sequence change replaces aspartic acid, which is acidic and polar, with valine, which is neutral and non-polar, at codon 40 of the COL4A1 protein (p.Asp40Val). This variant is present in population databases (no rsID available, gnomAD 0.003%). This variant has not been reported in the literature in individuals affected with COL4A1-related conditions. ClinVar contains an entry for this variant (Variation ID: 2179711). Invitae Evidence Modeling of protein sequence and biophysical properties (such as structural, functional, and spatial information, amino acid conservation, physicochemical variation, residue mobility, and thermodynamic stability) indicates that this missense variant is not expected to disrupt COL4A1 protein function with a negative predictive value of 80%. In summary, the available evidence is currently insufficient to determine the role of this variant in disease. Therefore, it has been classified as a Variant of Uncertain Significance.

PreventionGenetics, part of Exact Sciences
Classification: Uncertain significance for COL4A1-related condition. Last evaluated: 2024-09-12. Review status: no assertion criteria provided. Collection method: clinical testing. Allele origin: germline. Not counted in ClinVar's aggregate classification.
Comment: The COL4A1 c.119A>T variant is predicted to result in the amino acid substitution p.Asp40Val. To our knowledge, this variant has not been reported in the literature. This variant is reported in 0.0029% of alleles in individuals of Latino descent in gnomAD. At this time, the clinical significance of this variant is uncertain due to the absence of conclusive functional and genetic evidence.

NM_001845.6(COL4A1):c.119A>T (p.Asp40Val)

Gene: COL4A1 (collagen type IV alpha 1 chain; minus strand). Cytogenetic location: 13q34.
Variant type: single nucleotide variant.
Coding change: c.119A>T on transcript NM_001845.6 (MANE Select); coding-DNA position 119, A replaced by T.
Protein change: p.Asp40Val; replaces aspartic acid 40 with valine.
Molecular consequence: missense variant.
Genome position (GRCh38, 1-based): chr13:110,242,700, T>A on the plus strand (A>T on the coding strand, the complement: COL4A1 is on the minus strand). VCF-style: chr13-110242700-T-A. GRCh37 (hg19) VCF-style: chr13-110895047-T-A.
Other names: c.119A>T, p.Asp40Val (NM_001303110.2); c.119A>T (NM_001845.5, NM_001845.4); short protein forms D40V.
Identifiers: ClinVar variation 2179711 (VCV002179711.6), dbSNP rs1324859843, ClinGen allele CA388731469.